The following is an entry in ClinVar:

NM_000352.6(ABCC8):c.3122TGACCC[3] (p.Thr1044_Pro1045insLeuThr)

Gene: ABCC8 (ATP binding cassette subfamily C member 8; minus strand). Cytogenetic location: 11p15.1.
Variant type: Microsatellite.
Coding change: c.3122TGACCC[3] on transcript NM_000352.6 (MANE Select); three copies in a row of the 6-base unit TGACCC starting at c.3122; the reference has two copies in a row; one copy, 6 bases duplicated.
Protein change: p.Thr1044_Pro1045insLeuThr.
Molecular consequence: inframe insertion. On other transcripts: non-coding transcript variant (1).
Genome position (GRCh38, 1-based): chr11:17,406,917-17,406,922, GGGTCA duplicated on the plus strand (TGACCC on the coding strand, the reverse complement: ABCC8 is on the minus strand); duplicating any 6 consecutive bases within chr11:17,406,917-17,406,931 gives the same sequence; the position shown is the placement nearest the transcript's 3' end. VCF-style (leftmost placement, unchanged base first): chr11-17406916-G-GGGGTCA. GRCh37 (hg19) VCF-style: chr11-17428463-G-GGGGTCA.
Other names: c.3125TGACCC[3], p.Thr1045_Pro1046insLeuThr (NM_001287174.3); c.3188TGACCC[3], p.Thr1066_Pro1067insLeuThr (NM_001351295.2); c.3122TGACCC[3], p.Thr1044_Pro1045insLeuThr (NM_001351296.2); c.3119TGACCC[3], p.Thr1043_Pro1044insLeuThr (NM_001351297.2); c.3128_3133dupTGACCC (NM_000352.6).
Identifiers: ClinVar variation 3068502 (VCV003068502.2), dbSNP rs1954561894, ClinGen allele CA1955128623.

ClinVar aggregate classification (germline): Uncertain significance (1 of 4 stars; one submission).

Conditions:
Maturity-onset diabetes of the young (MODY). Also called: Maturity onset diabetes mellitus in young. Identifiers: Orphanet 552, MedGen C0342276, MONDO:0018911, HP:0004904.

Submission:

MVZ Dr. Eberhard & Partner Dortmund
Classification: Uncertain significance for Maturity-onset diabetes of the young type 1. Last evaluated: 2024-03-27. Review status: criteria provided, single submitter. Criteria: ACMG Guidelines, 2015. Collection method: clinical testing. Allele origin: unknown. Observed: 1 heterozygote.
Comment: The heterozygous duplication of six base pairs c.3128_3133dupTGACCC for p.(Leu1043_Thr1044dup) in ABCC8 has not yet been described in the literature or mutation databases. Data on allele frequency are also not available. At the amino acid level, this change is predicted to lead to the duplication of the two amino acids leucine and threonine at positions 1043 and 1044 without shifting the reading frame (in-frame duplication). According to our research, the affected codons, which are located in transmembrane domain 2, do not affect any functionally important domains (e.g. ATP-binding site). Due to the insufficient data available, a final classification of this ABCC8 variant with regard to MODY12 is currently not possible, so that we currently consider c.3128_3133dupTGACCC for p.(Leu1043_Thr1044dup) as a variant of unknown significance (VUS).